The following is an entry in ClinVar:

ClinVar aggregate classification (germline): Conflicting classifications of pathogenicity. Review status: criteria provided, conflicting classifications (1 of 4 stars). 2 submissions from 2 submitters: Uncertain significance (1); Likely benign (1). Last evaluated 2024-12-01.

Allele frequency attached by ClinVar (database versions not stated): ExAC 0.00007; gnomAD 0.00007; ESP Exome Variant Server 0.00015.
gnomAD v4.1: 100 of 1,612,506 alleles (0.0062%); highest among the groups gnomAD compares: Non-Finnish European, 0.0081%; no homozygotes.

Submissions (2):

CeGaT Center for Human Genetics Tuebingen
Classification: Likely benign. Last evaluated: 2024-12-01. Review status: criteria provided, single submitter. Criteria: CeGaT Center For Human Genetics Tuebingen Variant Classification Criteria Version 2. Collection method: clinical testing. Allele origin: germline. Affected: yes. Observed: 1 variant allele.
Comment: CELSR3: PP3, BS2

Ambry Genetics
Classification: Uncertain significance. Last evaluated: 2021-09-15. Review status: criteria provided, single submitter. Criteria: Ambry Variant Classification Scheme 2023. Collection method: clinical testing. Allele origin: germline.

NM_001407.3(CELSR3):c.9193C>T (p.Arg3065Cys)

Gene: CELSR3 (cadherin EGF LAG seven-pass G-type receptor 3; minus strand). Cytogenetic location: 3p21.31.
Variant type: single nucleotide variant.
Coding change: c.9193C>T on transcript NM_001407.3 (MANE Select); coding-DNA position 9193, C replaced by T.
Protein change: p.Arg3065Cys; replaces arginine 3065 with cysteine.
Molecular consequence: missense variant.
Genome position (GRCh38, 1-based): chr3:48,640,392, G>A on the plus strand (C>T on the coding strand, the complement: CELSR3 is on the minus strand). VCF-style: chr3-48640392-G-A. GRCh37 (hg19) VCF-style: chr3-48677825-G-A.
Other names: short protein forms R3065C.
Identifiers: ClinVar variation 2351187 (VCV002351187.15), dbSNP rs374253690, ClinGen allele CA2383614.